The following is an entry in ClinVar:

ClinVar aggregate classification (germline): Uncertain significance (1 of 4 stars; one submission).

Conditions:
Tyrosinemia type I (TYRSN1). Also called: HEPATORENAL TYROSINEMIA; Tyrosinemia type 1; Fumarylacetoacetase deficiency; Deficiency of fumarylacetoacetase; FAH DEFICIENCY. Identifiers: Orphanet 882, MedGen C0268490, MONDO:0010161, OMIM 276700. Disease mechanism: loss of function.

Allele frequency attached by ClinVar (database versions not stated): gnomAD 0.00001.
gnomAD v4.1: 2 of 1,614,058 alleles (0.00012%); highest among the groups gnomAD compares: African/African-American, 0.0027%; no homozygotes.

Submission:

Labcorp Genetics (formerly Invitae), Labcorp
Classification: Uncertain significance for Tyrosinemia type I. Last evaluated: 2023-12-02. Review status: criteria provided, single submitter. Criteria: Invitae Variant Classification Sherloc (09022015). Collection method: clinical testing. Allele origin: germline.
Comment: This sequence change replaces valine, which is neutral and non-polar, with methionine, which is neutral and non-polar, at codon 168 of the FAH protein (p.Val168Met). This variant is present in population databases (no rsID available, gnomAD 0.02%). This variant has not been reported in the literature in individuals affected with FAH-related conditions. ClinVar contains an entry for this variant (Variation ID: 2413874). Advanced modeling of protein sequence and biophysical properties (such as structural, functional, and spatial information, amino acid conservation, physicochemical variation, residue mobility, and thermodynamic stability) performed at Invitae indicates that this missense variant is not expected to disrupt FAH protein function with a negative predictive value of 80%. In summary, the available evidence is currently insufficient to determine the role of this variant in disease. Therefore, it has been classified as a Variant of Uncertain Significance.

NM_000137.4(FAH):c.502G>A (p.Val168Met)

Gene: FAH (fumarylacetoacetate hydrolase; plus strand). Cytogenetic location: 15q25.1.
Variant type: single nucleotide variant.
Coding change: c.502G>A on transcript NM_000137.4 (MANE Select); coding-DNA position 502, G replaced by A.
Protein change: p.Val168Met; replaces valine 168 with methionine.
Molecular consequence: missense variant.
Genome position (GRCh38, 1-based): chr15:80,168,098, G>A. VCF-style: chr15-80168098-G-A. GRCh37 (hg19) VCF-style: chr15-80460440-G-A.
Other names: c.502G>A, p.Val168Met (NM_001374377.1, NM_001374380.1); short protein forms V168M.
Identifiers: ClinVar variation 2413874 (VCV002413874.6), dbSNP rs1182195282, ClinGen allele CA393619853.